The following is an entry in ClinVar:

NM_153766.3(KCNJ1):c.959T>G (p.Val320Gly)

Gene: KCNJ1 (potassium inwardly rectifying channel subfamily J member 1; minus strand). Cytogenetic location: 11q24.3.
Variant type: single nucleotide variant.
Coding change: c.959T>G on transcript NM_153766.3 (MANE Select); coding-DNA position 959, T replaced by G.
Protein change: p.Val320Gly; replaces valine 320 with glycine.
Molecular consequence: missense variant.
Genome position (GRCh38, 1-based): chr11:128,839,285, A>C on the plus strand (T>G on the coding strand, the complement: KCNJ1 is on the minus strand). VCF-style: chr11-128839285-A-C. GRCh37 (hg19) VCF-style: chr11-128709180-A-C.
Other names: c.1016T>G, p.Val339Gly (NM_000220.6); c.959T>G, p.Val320Gly (NM_153764.3, NM_153767.4); c.1010T>G, p.Val337Gly (NM_153765.3); short protein forms V320G, V337G, V339G.
Identifiers: ClinVar variation 4292155 (VCV004292155.1).

ClinVar aggregate classification (germline): Uncertain significance (1 of 4 stars; one submission).

Conditions:
Bartter disease type 2. Also called: HYPERPROSTAGLANDIN E SYNDROME 2; Bartter syndrome, type 2, antenatal; HYPOKALEMIC ALKALOSIS WITH HYPERCALCIURIA 2, ANTENATAL. Identifiers: Orphanet 112, Orphanet 620220, MedGen C1855849, MONDO:0009424, OMIM 241200.

Submission:

3billion
Classification: Uncertain significance for Bartter disease type 2. Last evaluated: 2025-01-30. Review status: criteria provided, single submitter. Criteria: ACMG Guidelines, 2015. Collection method: clinical testing. Allele origin: germline. Affected: yes.
Comment: The variant is not observed in the gnomAD v4.1.0 dataset. Predicted Consequence/Location: Missense variant In silico tool predictions suggest damaging effect of the variant on gene or gene product [REVEL: 0.97 (>=0.6, sensitivity 0.68 and specificity 0.92)]. Therefore, this variant is classified as VUS according to the recommendation of ACMG/AMP guideline.